The following is an entry in ClinVar:

ClinVar aggregate classification (germline): Likely benign (0 of 4 stars; one submission).

Conditions:
AP3D1-related disorder. Also called: AP3D1-related condition.

Allele frequency attached by ClinVar (database versions not stated): gnomAD exomes below 0.00001; ExAC 0.00001; TOPMed 0.00002; ESP Exome Variant Server 0.00008.
gnomAD v4.1: 5 of 1,603,968 alleles (0.00031%); highest among the groups gnomAD compares: African/African-American, 0.0027%; no homozygotes.

Submission:

PreventionGenetics, part of Exact Sciences
Classification: Likely benign for AP3D1-related condition. Last evaluated: 2019-04-04. Review status: no assertion criteria provided. Collection method: clinical testing. Allele origin: germline.
Comment: This variant is classified as likely benign based on ACMG/AMP sequence variant interpretation guidelines (Richards et al. 2015 PMID: 25741868, with internal and published modifications).

NM_001261826.3(AP3D1):c.2680-4G>A

Gene: AP3D1 (adaptor related protein complex 3 subunit delta 1; minus strand). Cytogenetic location: 19p13.3.
Variant type: single nucleotide variant.
Coding change: c.2680-4G>A on transcript NM_001261826.3 (MANE Select); 4 bases into the intron before coding-DNA position 2680, G replaced by A.
Molecular consequence: intron variant.
Genome position (GRCh38, 1-based): chr19:2,112,971, C>T on the plus strand (G>A on the coding strand, the complement: AP3D1 is on the minus strand). VCF-style: chr19-2112971-C-T. GRCh37 (hg19) VCF-style: chr19-2112970-C-T.
Other names: c.2602-1143G>A (NM_003938.8); c.2680-40G>A (NM_001374799.1).
Identifiers: ClinVar variation 3047204 (VCV003047204.2), dbSNP rs371472619, ClinGen allele CA9058767.
Genomic context (GRCh38, chr19:2,112,971, plus strand): 5'-CTTGGCGTCCTCACACTCGTCCTTCGGGGTAGTGACAGTGTTCACACTGAGCTCCCCCTG[C>T]AGGGAGCCAGGGCTTGGGGCTCATGCTGGGCAATGAGGGGCCCCACTCCACTGCACCCCA-3'